The following is an entry in ClinVar:

ClinVar aggregate classification (germline): Uncertain significance (1 of 4 stars; one submission).

Conditions:
Hereditary cancer-predisposing syndrome. Also called: Neoplastic Syndromes, Hereditary; Tumor predisposition; Hereditary Cancer Syndrome; Hereditary neoplastic syndrome. Identifiers: Orphanet 140162, MedGen C0027672, MeSH D009386, MONDO:0015356.

Submission:

Ambry Genetics
Classification: Uncertain significance for Hereditary cancer-predisposing syndrome. Last evaluated: 2025-09-19. Review status: criteria provided, single submitter. Criteria: Ambry Variant Classification Scheme 2023. Collection method: clinical testing. Allele origin: germline.
Comment: The p.S917N variant (also known as c.2750G>A), located in coding exon 17 of the PTCH1 gene, results from a G to A substitution at nucleotide position 2750. The serine at codon 917 is replaced by asparagine, an amino acid with highly similar properties. This amino acid position is conserved. In addition, this alteration is predicted to be tolerated by in silico analysis. Based on the available evidence, the clinical significance of this variant remains unclear.

NM_000264.5(PTCH1):c.2750G>A (p.Ser917Asn)

Gene: PTCH1 (patched 1; minus strand). Cytogenetic location: 9q22.32.
Variant type: single nucleotide variant.
Coding change: c.2750G>A on transcript NM_000264.5 (MANE Select); coding-DNA position 2750, G replaced by A.
Protein change: p.Ser917Asn; replaces serine 917 with asparagine.
Molecular consequence: missense variant. On other transcripts: non-coding transcript variant (1).
Genome position (GRCh38, 1-based): chr9:95,459,737, C>T on the plus strand (G>A on the coding strand, the complement: PTCH1 is on the minus strand). VCF-style: chr9-95459737-C-T. GRCh37 (hg19) VCF-style: chr9-98222019-C-T.
Other names: c.2552G>A, p.Ser851Asn (NM_001083602.3); c.2747G>A, p.Ser916Asn (NM_001083603.3); c.2297G>A, p.Ser766Asn (NM_001083604.3, NM_001083605.3, NM_001083606.3 and 1 more transcripts); c.2594G>A, p.Ser865Asn (NM_001354918.2); short protein forms S766N, S916N, S917N, S851N, S865N.
Identifiers: ClinVar variation 4675381 (VCV004675381.1).